The following is an entry in ClinVar:

ClinVar aggregate classification (germline): Uncertain significance. Review status: criteria provided, multiple submitters, no conflicts (2 of 4 stars). 2 submissions from 2 submitters: Uncertain significance (2). Last evaluated 2025-03-20.

Conditions:
HYOU1-related disorder. Also called: HYOU1-related condition.

Allele frequency attached by ClinVar (database versions not stated): TOPMed below 0.00001; gnomAD 0.00001; gnomAD exomes 0.00004.

Submissions (2):

Labcorp Genetics (formerly Invitae), Labcorp
Classification: Uncertain significance. Last evaluated: 2025-03-20. Review status: criteria provided, single submitter. Criteria: Invitae Variant Classification Sherloc (09022015). Collection method: clinical testing. Allele origin: germline.
Comment: This sequence change replaces alanine, which is neutral and non-polar, with valine, which is neutral and non-polar, at codon 416 of the HYOU1 protein (p.Ala416Val). This variant is present in population databases (rs782110491, gnomAD 0.002%). This variant has not been reported in the literature in individuals affected with HYOU1-related conditions. ClinVar contains an entry for this variant (Variation ID: 2634887). An algorithm developed to predict the effect of missense changes on protein structure and function (PolyPhen-2) suggests that this variant is likely to be disruptive. In summary, the available evidence is currently insufficient to determine the role of this variant in disease. Therefore, it has been classified as a Variant of Uncertain Significance.

PreventionGenetics, part of Exact Sciences
Classification: Uncertain significance for HYOU1-related condition. Last evaluated: 2022-12-20. Review status: criteria provided, single submitter. Criteria: ACMG Guidelines, 2015. Collection method: clinical testing. Allele origin: germline.
Comment: The HYOU1 c.1247C>T variant is predicted to result in the amino acid substitution p.Ala416Val. To our knowledge, this variant has not been reported in the literature. This variant is reported in 0.0018% of alleles in individuals of European (Non-Finnish) descent in gnomAD. At this time, the clinical significance of this variant is uncertain due to the absence of conclusive functional and genetic evidence.

NM_006389.5(HYOU1):c.1247C>T (p.Ala416Val)

Genes: HYOU1 (hypoxia up-regulated 1; minus strand), LOC130006884 (ATAC-STARR-seq lymphoblastoid active region 5617; plus strand). Cytogenetic location: 11q23.3.
Variant type: single nucleotide variant.
Coding change: c.1247C>T on transcript NM_006389.5 (MANE Select); coding-DNA position 1247, C replaced by T.
Protein change: p.Ala416Val; replaces alanine 416 with valine.
Molecular consequence: missense variant.
Genome position (GRCh38, 1-based): chr11:119,051,910, G>A on the plus strand (C>T on the coding strand, the complement: HYOU1 is on the minus strand). VCF-style: chr11-119051910-G-A. GRCh37 (hg19) VCF-style: chr11-118922622-G-A.
Other names: c.1247C>T, p.Ala416Val (NM_001130991.3, NM_001411041.1); short protein forms A416V.
Identifiers: ClinVar variation 2634887 (VCV002634887.2), dbSNP rs782110491, ClinGen allele CA229622510.